The following is an entry in ClinVar:

ClinVar aggregate classification (germline): Likely benign. Review status: criteria provided, multiple submitters, no conflicts (2 of 4 stars). 2 submissions from 2 submitters: Likely benign (2). Last evaluated 2026-02-15.

Conditions:
Cardiovascular phenotype. Identifiers: MedGen CN230736.

Allele frequency attached by ClinVar (database versions not stated): gnomAD 0.00001; ExAC 0.00002; gnomAD exomes 0.00002; TOPMed 0.00002; ESP Exome Variant Server 0.00008.

Submissions (2):

Ambry Genetics
Classification: Likely benign for Cardiovascular phenotype. Last evaluated: 2026-02-15. Review status: criteria provided, single submitter. Criteria: Ambry Variant Classification Scheme 2023. Collection method: clinical testing. Allele origin: germline.

Laboratory for Molecular Medicine, Mass General Brigham Personalized Medicine
Classification: Likely benign. Last evaluated: 2019-06-11. Review status: criteria provided, single submitter. Criteria: LMM Criteria. Collection method: clinical testing. Allele origin: germline. Observed: 1 variant allele.
Comment: The p.Glu14355Glu variant in TTN is classified as likely benign because it does not alter an amino acid residue, it is not located within the splice consensus sequence, and splice prediction algorithms do not predict a newly created splice site. This variant was identified in 0.04% (5/111484) of European chromosomes by gnomAD. ACMG/AMP Criteria applied: BP4, BP7.

NM_001267550.2(TTN):c.50769A>G (p.Glu16923=)

Genes: TTN (titin; minus strand), TTN-AS1 (TTN antisense RNA 1; plus strand). Cytogenetic location: 2q31.2.
Variant type: single nucleotide variant.
Coding change: c.50769A>G on transcript NM_001267550.2 (MANE Select); coding-DNA position 50769, A replaced by G.
Protein change: p.Glu16923=; no amino-acid change (glutamic acid 16923 retained).
Molecular consequence: synonymous variant.
Genome position (GRCh38, 1-based): chr2:178,611,460, T>C on the plus strand (A>G on the coding strand, the complement: TTN is on the minus strand). VCF-style: chr2-178611460-T-C. GRCh37 (hg19) VCF-style: chr2-179476187-T-C.
Other names: c.45846A>G, p.Glu15282= (NM_001256850.1); c.23574A>G, p.Glu7858= (NM_003319.4); c.43065A>G, p.Glu14355= (NM_133378.4); c.23949A>G, p.Glu7983= (NM_133432.3); c.24150A>G, p.Glu8050= (NM_133437.4).
Identifiers: ClinVar variation 930056 (VCV000930056.5), dbSNP rs373524326, ClinGen allele CA1994317.